The following is an entry in ClinVar:

ClinVar aggregate classification (germline): Uncertain significance. Review status: criteria provided, multiple submitters, no conflicts (2 of 4 stars). 2 submissions from 2 submitters: Uncertain significance (2). Last evaluated 2025-08-22.

Conditions:
Hereditary cancer-predisposing syndrome. Also called: Tumor predisposition; Hereditary Cancer Syndrome; Hereditary neoplastic syndrome; Neoplastic Syndromes, Hereditary. Identifiers: Orphanet 140162, MedGen C0027672, MeSH D009386, MONDO:0015356.

gnomAD v4.1: 2 of 1,547,820 alleles (0.00013%); highest among the groups gnomAD compares: Non-Finnish European, 0.00017%; no homozygotes.

Submissions (2):

Labcorp Genetics (formerly Invitae), Labcorp
Classification: Uncertain significance. Last evaluated: 2025-08-22. Review status: criteria provided, single submitter. Criteria: Invitae Variant Classification Sherloc (09022015). Collection method: clinical testing. Allele origin: germline.
Comment: This sequence change replaces alanine, which is neutral and non-polar, with serine, which is neutral and polar, at codon 32 of the FH protein (p.Ala32Ser). This variant is not present in population databases (gnomAD no frequency). This variant has not been reported in the literature in individuals affected with FH-related conditions. ClinVar contains an entry for this variant (Variation ID: 485578). Invitae Evidence Modeling of protein sequence and biophysical properties (such as structural, functional, and spatial information, amino acid conservation, physicochemical variation, residue mobility, and thermodynamic stability) indicates that this missense variant is not expected to disrupt FH protein function with a negative predictive value of 95%. In summary, the available evidence is currently insufficient to determine the role of this variant in disease. Therefore, it has been classified as a Variant of Uncertain Significance.

Ambry Genetics
Classification: Uncertain significance for Hereditary cancer-predisposing syndrome. Last evaluated: 2024-02-19. Review status: criteria provided, single submitter. Criteria: Ambry Variant Classification Scheme 2023. Collection method: clinical testing. Allele origin: germline.
Comment: The p.A32S variant (also known as c.94G>T), located in coding exon 1 of the FH gene, results from a G to T substitution at nucleotide position 94. The alanine at codon 32 is replaced by serine, an amino acid with similar properties. This amino acid position is not well conserved in available vertebrate species. In addition, the in silico prediction for this alteration is inconclusive. Based on the available evidence, the clinical significance of this alteration remains unclear.

NM_000143.4(FH):c.94G>T (p.Ala32Ser)

Gene: FH (fumarate hydratase; minus strand). Cytogenetic location: 1q43.
Variant type: single nucleotide variant.
Coding change: c.94G>T on transcript NM_000143.4 (MANE Select); coding-DNA position 94, G replaced by T.
Protein change: p.Ala32Ser; replaces alanine 32 with serine.
Molecular consequence: missense variant.
Genome position (GRCh38, 1-based): chr1:241,519,629, C>A on the plus strand (G>T on the coding strand, the complement: FH is on the minus strand). VCF-style: chr1-241519629-C-A. GRCh37 (hg19) VCF-style: chr1-241682929-C-A.
Other names: short protein forms A32S.
Identifiers: ClinVar variation 485578 (VCV000485578.10), dbSNP rs1371664717, ClinGen allele CA345442723.